The following is an entry in ClinVar:

NM_001267550.2(TTN):c.74331C>T (p.Asp24777=)

Genes: TTN (titin; minus strand), TTN-AS1 (TTN antisense RNA 1; plus strand). Cytogenetic location: 2q31.2.
Variant type: single nucleotide variant.
Coding change: c.74331C>T on transcript NM_001267550.2 (MANE Select); coding-DNA position 74331, C replaced by T.
Protein change: p.Asp24777=; no amino-acid change (aspartic acid 24777 retained).
Molecular consequence: synonymous variant.
Genome position (GRCh38, 1-based): chr2:178,571,801, G>A on the plus strand (C>T on the coding strand, the complement: TTN is on the minus strand). VCF-style: chr2-178571801-G-A. GRCh37 (hg19) VCF-style: chr2-179436528-G-A.
Other names: c.69408C>T, p.Asp23136= (NM_001256850.1); c.66627C>T, p.Asp22209= (NM_133378.4); c.47136C>T, p.Asp15712= (NM_003319.4); c.47511C>T, p.Asp15837= (NM_133432.3); c.47712C>T, p.Asp15904= (NM_133437.4).
Identifiers: ClinVar variation 178190 (VCV000178190.25), dbSNP rs368530092, ClinGen allele CA181720.

ClinVar aggregate classification (germline): Conflicting classifications of pathogenicity. Review status: criteria provided, conflicting classifications (1 of 4 stars). 7 submissions from 7 submitters: Uncertain significance (1); Likely benign (6). Last evaluated 2026-09-21.

Conditions:
Cardiovascular phenotype. Identifiers: MedGen CN230736.
Autosomal recessive limb-girdle muscular dystrophy type 2J (LGMDR10). Also called: MUSCULAR DYSTROPHY, LIMB-GIRDLE, AUTOSOMAL RECESSIVE 10; Limb-girdle muscular dystrophy, type 2J. Identifiers: Orphanet 140922, MedGen C1837342, MONDO:0012127, OMIM 608807.
Dilated cardiomyopathy 1G (CMD1G). Identifiers: Orphanet 154, MedGen C1858763, MONDO:0011400, OMIM 604145.
Cardiomyopathy (CMYO). Also called: Cardiomyopathies. Identifiers: Orphanet 167848, MedGen C0878544, MONDO:0004994, HP:0001638. Inheritance: Various modes of inheritance.

Allele frequency attached by ClinVar (database versions not stated): gnomAD 0.00001; ESP Exome Variant Server 0.00008; gnomAD exomes 0.00003 and 0.00002; ExAC 0.00004; TOPMed 0.00002.
gnomAD v4.1: 40 of 1,613,312 alleles (0.0025%); highest among the groups gnomAD compares: Middle Eastern, 0.033%; no homozygotes.

Submissions (7):

Molecular Diagnostic Laboratory for Inherited Cardiovascular Disease, Montreal Heart Institute
Classification: Likely benign. Last evaluated: 2026-09-21. Review status: criteria provided, single submitter. Criteria: ACMG Guidelines, 2015. Collection method: clinical testing. Allele origin: germline. Affected: no.
Comment: BP7

Labcorp Genetics (formerly Invitae), Labcorp
Classification: Likely benign for Dilated cardiomyopathy 1G; Autosomal recessive limb-girdle muscular dystrophy type 2J. Last evaluated: 2025-12-24. Review status: criteria provided, single submitter. Criteria: Invitae Variant Classification Sherloc (09022015). Collection method: clinical testing. Allele origin: germline.

Blueprint Genetics
Classification: Likely benign. Last evaluated: 2024-09-13. Review status: criteria provided, single submitter. Criteria: ACMG Guidelines, 2015. Collection method: clinical testing. Allele origin: germline.

Ambry Genetics
Classification: Likely benign for Cardiovascular phenotype. Last evaluated: 2021-09-10. Review status: criteria provided, single submitter. Criteria: Ambry Variant Classification Scheme 2023. Collection method: clinical testing. Allele origin: germline.

CHEO Genetics Diagnostic Laboratory, Children's Hospital of Eastern Ontario
Classification: Likely benign for Cardiomyopathy. Last evaluated: 2020-08-11. Review status: criteria provided, single submitter. Criteria: ACMG Guidelines, 2015. Collection method: clinical testing. Allele origin: germline. Study: Canadian Open Genetics Repository.

Eurofins Ntd Llc (ga)
Classification: Uncertain significance. Last evaluated: 2015-02-10. Review status: criteria provided, single submitter. Criteria: EGL Classification Definitions 2015. Collection method: clinical testing. Allele origin: germline. Observed: 1 variant allele, 1 heterozygote.

Laboratory for Molecular Medicine, Mass General Brigham Personalized Medicine
Classification: Likely benign. Last evaluated: 2012-03-19. Review status: criteria provided, single submitter. Criteria: LMM Criteria. Collection method: clinical testing. Allele origin: germline. Observed: 1 variant allele.
Comment: Asp22209Asp in exon 275 of TTN: This variant is not expected to have clinical si gnificance because it does not alter an amino acid residue, is not located withi n the splice consensus sequence. It has been identified in 1/3174 African Americ an chromosomes from a broad population by the NHLBI Exome Sequencing Project (rs368530092). Asp22209Asp in exon 275 of TTN (r s368530092; allele frequency 1/3174) **